The following is an entry in ClinVar:

ClinVar aggregate classification (germline): Uncertain significance. Review status: criteria provided, multiple submitters, no conflicts (2 of 4 stars). 2 submissions from 2 submitters: Uncertain significance (2). Last evaluated 2025-02-19.

Conditions:
Inborn genetic diseases. Identifiers: MedGen C0950123, MeSH D030342.
Achondrogenesis, type IA (ACG1A). Identifiers: Orphanet 932, Orphanet 93299, MedGen C0265273, MONDO:0008701, OMIM 200600.

Allele frequency attached by ClinVar (database versions not stated): gnomAD exomes below 0.00001; TOPMed 0.00002.
gnomAD v4.1: 6 of 1,614,080 alleles (0.00037%); highest among the groups gnomAD compares: Admixed American, 0.0033%; no homozygotes.

Submissions (2):

Ambry Genetics
Classification: Uncertain significance for Inborn genetic diseases. Last evaluated: 2025-02-19. Review status: criteria provided, single submitter. Criteria: Ambry Variant Classification Scheme 2023. Collection method: clinical testing. Allele origin: germline.

Labcorp Genetics (formerly Invitae), Labcorp
Classification: Uncertain significance for Achondrogenesis, type IA. Last evaluated: 2022-07-25. Review status: criteria provided, single submitter. Criteria: Invitae Variant Classification Sherloc (09022015). Collection method: clinical testing. Allele origin: germline.
Comment: This sequence change replaces leucine, which is neutral and non-polar, with phenylalanine, which is neutral and non-polar, at codon 1207 of the TRIP11 protein (p.Leu1207Phe). This variant is not present in population databases (gnomAD no frequency). This variant has not been reported in the literature in individuals affected with TRIP11-related conditions. ClinVar contains an entry for this variant (Variation ID: 1349457). Algorithms developed to predict the effect of missense changes on protein structure and function are either unavailable or do not agree on the potential impact of this missense change (SIFT: "Not Available"; PolyPhen-2: "Probably Damaging"; Align-GVGD: "Not Available"). In summary, the available evidence is currently insufficient to determine the role of this variant in disease. Therefore, it has been classified as a Variant of Uncertain Significance.

NM_004239.4(TRIP11):c.3619C>T (p.Leu1207Phe)

Gene: TRIP11 (thyroid hormone receptor interactor 11; minus strand). Cytogenetic location: 14q32.12.
Variant type: single nucleotide variant.
Coding change: c.3619C>T on transcript NM_004239.4 (MANE Select); coding-DNA position 3619, C replaced by T.
Protein change: p.Leu1207Phe; replaces leucine 1207 with phenylalanine.
Molecular consequence: missense variant.
Genome position (GRCh38, 1-based): chr14:92,004,357, G>A on the plus strand (C>T on the coding strand, the complement: TRIP11 is on the minus strand). VCF-style: chr14-92004357-G-A. GRCh37 (hg19) VCF-style: chr14-92470701-G-A.
Other names: c.3619C>T (NM_004239.3); c.3616C>T, p.Leu1206Phe (NM_001321851.1); short protein forms L1207F, L1206F.
Identifiers: ClinVar variation 1349457 (VCV001349457.9), dbSNP rs1595387309, ClinGen allele CA390651972.